The following is an entry in ClinVar:

NM_000535.7(PMS2):c.303T>G (p.Val101=)

Gene: PMS2 (PMS1 homolog 2, mismatch repair system component; minus strand). Cytogenetic location: 7p22.1.
Variant type: single nucleotide variant.
Coding change: c.303T>G on transcript NM_000535.7 (MANE Select); coding-DNA position 303, T replaced by G.
Protein change: p.Val101=; no amino-acid change (valine 101 retained).
Molecular consequence: synonymous variant. On other transcripts: 5 prime UTR variant (25), non-coding transcript variant (1), intron variant (21).
Genome position (GRCh38, 1-based): chr7:6,003,740, A>C on the plus strand (T>G on the coding strand, the complement: PMS2 is on the minus strand). VCF-style: chr7-6003740-A-C. GRCh37 (hg19) VCF-style: chr7-6043371-A-C.
Other names: c.-103T>G (NM_001018040.1, NM_001322003.2, NM_001322004.2 and 14 more transcripts); c.303T>G, p.Val101= (NM_001322006.2, NM_001322014.2, NM_001406869.1 and 8 more transcripts); c.-582T>G (NM_001322011.2, NM_001322012.2); c.-182T>G (NM_001322015.2, NM_001406875.1, NM_001406877.1 and 3 more transcripts); c.489T>G, p.Val163= (NM_001406866.1); c.327T>G, p.Val109= (NM_001406868.1); c.-93T>G (NM_001406890.1); c.35+232T>G (NM_001322008.2, NM_001406902.1, NM_001406883.1 and 4 more transcripts); and 5 more.
Identifiers: ClinVar variation 2586338 (VCV002586338.6), dbSNP rs755908654, ClinGen allele CA153247930.

ClinVar aggregate classification (germline): Benign/Likely benign. Review status: criteria provided, multiple submitters, no conflicts (2 of 4 stars). 4 submissions from 4 submitters: Benign (1); Likely benign (3). Last evaluated 2025-01-24.

Conditions:
Hereditary nonpolyposis colorectal neoplasms. Identifiers: MedGen C0009405, MeSH D003123.
Lynch syndrome 4 (LYNCH4). Also called: Hereditary non-polyposis colorectal cancer, type 4; Colorectal cancer, hereditary nonpolyposis, type 4. Identifiers: Orphanet 144, MedGen C1838333, MONDO:0013699, OMIM 614337. Disease mechanism: loss of function.
Hereditary cancer-predisposing syndrome. Also called: Tumor predisposition; Neoplastic Syndromes, Hereditary; Hereditary Cancer Syndrome; Hereditary neoplastic syndrome. Identifiers: Orphanet 140162, MedGen C0027672, MeSH D009386, MONDO:0015356.

Allele frequency attached by ClinVar (database versions not stated): gnomAD exomes below 0.00001.
gnomAD v4.1: 2 of 1,602,368 alleles (0.00012%); highest among the groups gnomAD compares: Non-Finnish European, 0.00017%; no homozygotes.

Submissions (4):

Myriad Genetics, Inc.
Classification: Benign for Lynch syndrome 4. Last evaluated: 2025-01-24. Review status: criteria provided, single submitter. Criteria: Myriad Autosomal Dominant, Autosomal Recessive and X-Linked Classification Criteria (2023). Collection method: clinical testing. Allele origin: unknown.
Comment: This variant is considered benign. This variant is a silent/synonymous amino acid change and it is not expected to impact splicing.

Labcorp Genetics (formerly Invitae), Labcorp
Classification: Likely benign for Hereditary nonpolyposis colorectal neoplasms. Last evaluated: 2024-05-29. Review status: criteria provided, single submitter. Criteria: Invitae Variant Classification Sherloc (09022015). Collection method: clinical testing. Allele origin: germline.

Ambry Genetics
Classification: Likely benign for Hereditary cancer-predisposing syndrome. Last evaluated: 2023-07-26. Review status: criteria provided, single submitter. Criteria: Ambry Variant Classification Scheme 2023. Collection method: clinical testing. Allele origin: germline.

Blueprint Genetics
Classification: Likely benign. Last evaluated: 2023-01-11. Review status: criteria provided, single submitter. Criteria: ACMG Guidelines, 2015. Collection method: clinical testing. Allele origin: germline.